The following is an entry in ClinVar:

NM_003200.5(TCF3):c.1473G>A (p.Thr491=)

Gene: TCF3 (transcription factor 3; minus strand). Cytogenetic location: 19p13.3.
Variant type: single nucleotide variant.
Coding change: c.1473G>A on transcript NM_003200.5 (MANE Select); coding-DNA position 1473, G replaced by A.
Protein change: p.Thr491=; no amino-acid change (threonine 491 retained).
Molecular consequence: synonymous variant.
Genome position (GRCh38, 1-based): chr19:1,615,799, C>T on the plus strand (G>A on the coding strand, the complement: TCF3 is on the minus strand). VCF-style: chr19-1615799-C-T. GRCh37 (hg19) VCF-style: chr19-1615798-C-T.
Other names: c.1473G>A, p.Thr491= (NM_001136139.4, NM_001351779.2); c.1470G>A, p.Thr490= (NM_001351778.2).
Identifiers: ClinVar variation 2193166 (VCV002193166.26), dbSNP rs755436570, ClinGen allele CA9049806.

ClinVar aggregate classification (germline): Likely benign. Review status: criteria provided, multiple submitters, no conflicts (2 of 4 stars). 2 submissions from 2 submitters: Likely benign (2). Last evaluated 2025-08-31.

Allele frequency attached by ClinVar (database versions not stated): TOPMed below 0.00001; ExAC 0.00001.
gnomAD v4.1: 15 of 1,573,800 alleles (0.00095%); highest among the groups gnomAD compares: Middle Eastern, 0.034%; no homozygotes.

Submissions (2):

Labcorp Genetics (formerly Invitae), Labcorp
Classification: Likely benign. Last evaluated: 2025-08-31. Review status: criteria provided, single submitter. Criteria: Invitae Variant Classification Sherloc (09022015). Collection method: clinical testing. Allele origin: germline.

CeGaT Center for Human Genetics Tuebingen
Classification: Likely benign. Last evaluated: 2024-01-01. Review status: criteria provided, single submitter. Criteria: CeGaT Center For Human Genetics Tuebingen Variant Classification Criteria Version 2. Collection method: clinical testing. Allele origin: germline. Affected: yes. Observed: 1 variant allele.
Comment: TCF3: BP4, BP7